The following is an entry in ClinVar:

NM_001292063.2(OTOG):c.8368C>T (p.Arg2790Cys)

Gene: OTOG (otogelin; plus strand). Cytogenetic location: 11p15.1.
Variant type: single nucleotide variant.
Coding change: c.8368C>T on transcript NM_001292063.2 (MANE Select); coding-DNA position 8368, C replaced by T.
Protein change: p.Arg2790Cys; replaces arginine 2790 with cysteine.
Molecular consequence: missense variant.
Genome position (GRCh38, 1-based): chr11:17,642,199, C>T. VCF-style: chr11-17642199-C-T. GRCh37 (hg19) VCF-style: chr11-17663746-C-T.
Other names: c.8404C>T, p.Arg2802Cys (NM_001277269.2); short protein forms R2790C, R2802C.
Identifiers: ClinVar variation 1203695 (VCV001203695.4), dbSNP rs952407320, ClinGen allele CA218456861.
Genomic context (GRCh38, chr11:17,642,199, plus strand): 5'-TGGATCGCAGACTGCGCCCGCCACCACTGCAGCAGCACGCCCCTGGGTGCCGTGCTGGTC[C>T]GCTCTCCCATAAGCTGCCCACCGCTCAATGAGACTGAGTGTGCCAAGGTCAGTGCCTCCT-3'
Protein context (NP_001278992.1, residues 2780-2800): SSTPLGAVLV[Arg2790Cys]SPISCPPLNE

ClinVar aggregate classification (germline): Uncertain significance (1 of 4 stars; one submission).

Allele frequency attached by ClinVar (database versions not stated): gnomAD 0.00002.
gnomAD v4.1: 54 of 1,550,180 alleles (0.0035%); highest among the groups gnomAD compares: Middle Eastern, 0.017%; no homozygotes.

Submission:

GeneDx
Classification: Uncertain significance. Last evaluated: 2025-02-03. Review status: criteria provided, single submitter. Criteria: GeneDx Variant Classification Process June 2021. Collection method: clinical testing. Allele origin: germline. Affected: yes.
Comment: Not observed at significant frequency in large population cohorts (gnomAD); In silico analysis indicates that this missense variant does not alter protein structure/function; Has not been previously published as pathogenic or benign to our knowledge